The following is an entry in ClinVar:

NM_017849.4(TMEM127):c.64G>C (p.Ala22Pro)

Genes: TMEM127 (transmembrane protein 127; minus strand), LOC129934333 (ATAC-STARR-seq lymphoblastoid silent region 11759; plus strand). Cytogenetic location: 2q11.2.
Variant type: single nucleotide variant.
Coding change: c.64G>C on transcript NM_017849.4 (MANE Select); coding-DNA position 64, G replaced by C.
Protein change: p.Ala22Pro; replaces alanine 22 with proline.
Molecular consequence: missense variant.
Genome position (GRCh38, 1-based): chr2:96,265,318, C>G on the plus strand (G>C on the coding strand, the complement: TMEM127 is on the minus strand). VCF-style: chr2-96265318-C-G. GRCh37 (hg19) VCF-style: chr2-96931056-C-G.
Other names: c.64G>C, p.Ala22Pro (NM_001193304.3); short protein forms A22P.
Identifiers: ClinVar variation 1753903 (VCV001753903.2), dbSNP rs1273425757, ClinGen allele CA347656186.

ClinVar aggregate classification (germline): Uncertain significance (1 of 4 stars; one submission).

Conditions:
Hereditary cancer-predisposing syndrome. Also called: Neoplastic Syndromes, Hereditary; Tumor predisposition; Hereditary Cancer Syndrome; Hereditary neoplastic syndrome. Identifiers: Orphanet 140162, MedGen C0027672, MeSH D009386, MONDO:0015356.

Submission:

Ambry Genetics
Classification: Uncertain significance for Hereditary cancer-predisposing syndrome. Last evaluated: 2022-06-13. Review status: criteria provided, single submitter. Criteria: Ambry Variant Classification Scheme 2023. Collection method: clinical testing. Allele origin: germline.
Comment: The p.A22P variant (also known as c.64G>C), located in coding exon 1 of the TMEM127 gene, results from a G to C substitution at nucleotide position 64. The alanine at codon 22 is replaced by proline, an amino acid with highly similar properties. This amino acid position is conserved. In addition, this alteration is predicted to be tolerated by in silico analysis. Since supporting evidence is limited at this time, the clinical significance of this alteration remains unclear.